The following is an entry in ClinVar:

NM_001376.5(DYNC1H1):c.13384C>T (p.Arg4462Trp)

Gene: DYNC1H1 (dynein cytoplasmic 1 heavy chain 1; plus strand). Cytogenetic location: 14q32.31.
Variant type: single nucleotide variant.
Coding change: c.13384C>T on transcript NM_001376.5 (MANE Select); coding-DNA position 13384, C replaced by T.
Protein change: p.Arg4462Trp; replaces arginine 4462 with tryptophan.
Molecular consequence: missense variant.
Genome position (GRCh38, 1-based): chr14:102,049,451, C>T. VCF-style: chr14-102049451-C-T. GRCh37 (hg19) VCF-style: chr14-102515788-C-T.
Other names: short protein forms R4462W.
Identifiers: ClinVar variation 245718 (VCV000245718.32), dbSNP rs879253914, ClinGen allele CA10584482.

ClinVar aggregate classification (germline): Uncertain significance. Review status: criteria provided, multiple submitters, no conflicts (2 of 4 stars). 6 submissions from 6 submitters: Uncertain significance (5). 1 of the submissions does not count toward it. Last evaluated 2026-02-03.

Conditions:
Inborn genetic diseases. Identifiers: MedGen C0950123, MeSH D030342.
Cortical dysplasia, complex, with other brain malformations 13. Also called: Intellectual disability, autosomal dominant 13. Identifiers: MedGen C3281202, MONDO:0013805, OMIM 614563.
Charcot-Marie-Tooth disease axonal type 2O. Also called: Charcot-Marie-Tooth disease, axonal, type 20; CHARCOT-MARIE-TOOTH NEUROPATHY, AXONAL, TYPE 2O; CHARCOT-MARIE-TOOTH DISEASE, AXONAL, AUTOSOMAL DOMINANT, TYPE 2O; Charcot-Marie-Tooth Neuropathy Type 2O. Identifiers: Orphanet 284232, MedGen C3280220, MONDO:0013644, OMIM 614228.
DYNC1H1-related disorder. Also called: DYNC1H1-related condition; DYNC1H1-related disorders. Identifiers: MedGen CN381529.

Allele frequency attached by ClinVar (database versions not stated): gnomAD exomes below 0.00001.
gnomAD v4.1: 4 of 1,614,118 alleles (0.00025%); highest among the groups gnomAD compares: Non-Finnish European, 0.00034%; no homozygotes.

Submissions (6):

Labcorp Genetics (formerly Invitae), Labcorp
Classification: Uncertain significance for Charcot-Marie-Tooth disease axonal type 2O. Last evaluated: 2026-02-03. Review status: criteria provided, single submitter. Criteria: Invitae Variant Classification Sherloc (09022015). Collection method: clinical testing. Allele origin: germline.
Comment: This sequence change replaces arginine, which is basic and polar, with tryptophan, which is neutral and slightly polar, at codon 4462 of the DYNC1H1 protein (p.Arg4462Trp). This variant is not present in population databases (gnomAD no frequency). This variant has not been reported in the literature in individuals affected with DYNC1H1-related conditions. ClinVar contains an entry for this variant (Variation ID: 245718). Invitae Evidence Modeling of protein sequence and biophysical properties (such as structural, functional, and spatial information, amino acid conservation, physicochemical variation, residue mobility, and thermodynamic stability) indicates that this missense variant is not expected to disrupt DYNC1H1 protein function with a negative predictive value of 95%. In summary, the available evidence is currently insufficient to determine the role of this variant in disease. Therefore, it has been classified as a Variant of Uncertain Significance.

Dasa
Classification: Uncertain significance for Cortical dysplasia, complex, with other brain malformations 13. Last evaluated: 2025-11-26. Review status: criteria provided, single submitter. Criteria: DASA Assertion Criteria. Collection method: clinical testing. Allele origin: germline.
Comment: NM_001376.5(DYNC1H1):c.13384C>T (p.Arg4462Trp) is a missense variant that results in the substitution of arginine with tryptophan. This variant is rare in population databases. The currently available literature and clinical evidence are not sufficient to establish a definitive association between this variant and the reported condition. Therefore, this variant is classified as a variant of uncertain significance.

CeGaT Center for Human Genetics Tuebingen
Classification: Uncertain significance. Last evaluated: 2024-03-01. Review status: criteria provided, single submitter. Criteria: CeGaT Center For Human Genetics Tuebingen Variant Classification Criteria Version 2. Collection method: clinical testing. Allele origin: germline. Affected: yes. Observed: 1 variant allele.
Comment: DYNC1H1: PM2

Ambry Genetics
Classification: Uncertain significance for Inborn genetic diseases. Last evaluated: 2021-02-24. Review status: criteria provided, single submitter. Criteria: Ambry Variant Classification Scheme 2023. Collection method: clinical testing. Allele origin: germline.
Comment: The p.R4462W variant (also known as c.13384C>T), located in coding exon 75 of the DYNC1H1 gene, results from a C to T substitution at nucleotide position 13384. The arginine at codon 4462 is replaced by tryptophan, an amino acid with dissimilar properties. This amino acid position is well conserved in available vertebrate species. In addition, this alteration is predicted to be tolerated by in silico analysis. Since supporting evidence is limited at this time, the clinical significance of this alteration remains unclear.

GeneDx
Classification: Uncertain significance. Last evaluated: 2015-03-31. Review status: criteria provided, single submitter. Criteria: GeneDx Variant Classification (06012015). Collection method: clinical testing. Allele origin: germline. Affected: yes.
Comment: The R4462W variant in the DYNC1H1 gene has not been published as a mutation, nor has it been reported as a benign polymorphism to our knowledge. The R4462W variant was not observed in approximately 6500 individuals of European and African American ancestry in the NHLBI Exome Sequencing Project, indicating it is not a common benign variant in these populations. The R4462W variant is a non-conservative amino acid substitution, which is likely to impact secondary protein structure as these residues differ in polarity, charge, size and/or other properties. This substitution occurs at a position that is not conserved across species. In silico analysis predicts this variant is probably damaging to the protein structure/function. We interpret R4462W as a variant of unknown significance

PreventionGenetics, part of Exact Sciences
Classification: Uncertain significance for DYNC1H1-related condition. Last evaluated: 2024-07-27. Review status: no assertion criteria provided. Collection method: clinical testing. Allele origin: germline. Not counted in ClinVar's aggregate classification.
Comment: The DYNC1H1 c.13384C>T variant is predicted to result in the amino acid substitution p.Arg4462Trp. To our knowledge, this variant has not been reported in the literature or in a large population database, indicating this variant is rare. At this time, the clinical significance of this variant is uncertain due to the absence of conclusive functional and genetic evidence.